The following is an entry in ClinVar:

NC_000023.10:g.(?_31279052)_(31747885_?)dup

Genes: DMD (dystrophin; minus strand), LOC130068086 (ATAC-STARR-seq lymphoblastoid silent region 20729; plus strand), LOC130068087 (ATAC-STARR-seq lymphoblastoid silent region 20730; plus strand), LOC130068088 (ATAC-STARR-seq lymphoblastoid active region 29515; plus strand), LOC130068089 (ATAC-STARR-seq lymphoblastoid active region 29516; plus strand) and 1 more. Cytogenetic location: Xp21.2-21.1.
Variant type: Duplication.
Identifiers: ClinVar variation 526154 (VCV000526154.10).

ClinVar aggregate classification (germline): Pathogenic (1 of 4 stars; one submission).

Conditions:
Duchenne muscular dystrophy (DMD). Also called: Duchenne Muscular Dystrophy (DMD); MUSCULAR DYSTROPHY, PSEUDOHYPERTROPHIC PROGRESSIVE, DUCHENNE TYPE. Identifiers: Orphanet 98896, MedGen C0013264, MONDO:0010679, OMIM 310200.

Submission:

Labcorp Genetics (formerly Invitae), Labcorp
Classification: Pathogenic for Duchenne muscular dystrophy. Last evaluated: 2022-04-23. Review status: criteria provided, single submitter. Criteria: Invitae Variant Classification Sherloc (09022015). Collection method: clinical testing. Allele origin: germline.
Comment: For these reasons, this variant has been classified as Pathogenic. A similar copy number variant has been observed in individuals with DMD-related dystrophinopathies (PMID: 17124406; Invitae). This variant results in a copy number gain of the genomic region encompassing exon(s) 52-63 of the DMD gene. While the exact position of this variant cannot be determined from the data, sub-genic copy number gains are generally in tandem (PMID: 25640679). This variant is predicted to be out-of-frame, and may result in an absent or disrupted protein product. Loss-of-function variants in DMD are known to be pathogenic (PMID: 16770791, 25007885).

Literature cited by the submitters: PubMed 17124406; PubMed 25640679; PubMed 16770791; PubMed 25007885.